The following is an entry in ClinVar:

NM_000352.6(ABCC8):c.2256-1G>T

Gene: ABCC8 (ATP binding cassette subfamily C member 8; minus strand). Cytogenetic location: 11p15.1.
Variant type: single nucleotide variant.
Coding change: c.2256-1G>T on transcript NM_000352.6 (MANE Select); the canonical splice acceptor site of the intron before coding-DNA position 2256, G replaced by T.
Molecular consequence: splice acceptor variant.
Genome position (GRCh38, 1-based): chr11:17,415,340, C>A on the plus strand (G>T on the coding strand, the complement: ABCC8 is on the minus strand). VCF-style: chr11-17415340-C-A. GRCh37 (hg19) VCF-style: chr11-17436887-C-A.
Other names: c.2253-1G>T (NM_001351297.2); c.2256-1G>T (NM_001351296.2); c.2322-1G>T (NM_001351295.2); c.2259-1G>T (NM_001287174.3).
Identifiers: ClinVar variation 2066920 (VCV002066920.4), dbSNP rs2496593562, ClinGen allele CA379810961.
Genomic context (GRCh38, chr11:17,415,340, plus strand): 5'-GGCAATGTTCCCAGGACGCAGTACCTGATATCCAAGTCGGTCGCTGTCTCCCGCTCTGGG[C>A]TGCAGCAGGGGAGGAAAGGCATACTGAGCTCTCATGGGAGTGAACCATATCCTCCAGGAA-3'

ClinVar aggregate classification (germline): Likely pathogenic (1 of 4 stars; one submission).

Submission:

Labcorp Genetics (formerly Invitae), Labcorp
Classification: Likely pathogenic. Last evaluated: 2022-04-12. Review status: criteria provided, single submitter. Criteria: Invitae Variant Classification Sherloc (09022015). Collection method: clinical testing. Allele origin: germline.
Comment: In summary, the currently available evidence indicates that the variant is pathogenic, but additional data are needed to prove that conclusively. Therefore, this variant has been classified as Likely Pathogenic. Algorithms developed to predict the effect of sequence changes on RNA splicing suggest that this variant may disrupt the consensus splice site. This variant has not been reported in the literature in individuals affected with ABCC8-related conditions. This variant is not present in population databases (gnomAD no frequency). This sequence change affects an acceptor splice site in intron 17 of the ABCC8 gene. It is expected to disrupt RNA splicing. Variants that disrupt the donor or acceptor splice site typically lead to a loss of protein function (PMID: 16199547), and loss-of-function variants in ABCC8 are known to be pathogenic (PMID: 20685672, 23345197).

Literature cited by the submitters: PubMed 16199547; PubMed 20685672; PubMed 23345197.